The following is an entry in ClinVar:

NM_001291303.3(FAT4):c.1128G>A (p.Val376=)

Gene: FAT4 (FAT atypical cadherin 4; plus strand). Cytogenetic location: 4q28.1.
Variant type: single nucleotide variant.
Coding change: c.1128G>A on transcript NM_001291303.3 (MANE Select); coding-DNA position 1128, G replaced by A.
Protein change: p.Val376=; no amino-acid change (valine 376 retained).
Molecular consequence: synonymous variant.
Genome position (GRCh38, 1-based): chr4:125,317,539, G>A. VCF-style: chr4-125317539-G-A. GRCh37 (hg19) VCF-style: chr4-126238694-G-A.
Other names: c.1128G>A, p.Val376= (NM_001291285.3, NM_024582.6).
Identifiers: ClinVar variation 388300 (VCV000388300.62), dbSNP rs202216461, ClinGen allele CA3071922.
Genomic context (GRCh38, chr4:125,317,539, plus strand): 5'-CTACTTCCCGGCCACCTCGCGCTACGCCTCGGTAGATGAGAATGCTCAAGTGGGCACCGT[G>A]GTGGCTCTGCTCACCGTGACGGACGCAGATTCTCCCGCGGCCAACGGGAACATCTCCGTG-3'
Protein context (NP_001278232.1, residues 366-386): SVDENAQVGT[Val376=]VALLTVTDAD

ClinVar aggregate classification (germline): Benign/Likely benign. Review status: criteria provided, multiple submitters, no conflicts (2 of 4 stars). 7 submissions from 7 submitters: Benign (2); Likely benign (3). 2 of the submissions do not count toward it. Last evaluated 2026-09-01.

Allele frequency attached by ClinVar (database versions not stated): 1000 Genomes Project 30x 0.00141; 1000 Genomes Project 0.00160; gnomAD 0.00236; gnomAD exomes 0.00300; TOPMed 0.00301; ESP Exome Variant Server 0.00318; ExAC 0.00325.
gnomAD v4.1: 8,159 of 1,613,874 alleles (0.51%); highest among the groups gnomAD compares: Non-Finnish European, 0.64%; 20 homozygotes.

Submissions (7):

CeGaT Center for Human Genetics Tuebingen
Classification: Likely benign. Last evaluated: 2026-09-01. Review status: criteria provided, single submitter. Criteria: CeGaT Center For Human Genetics Tuebingen Variant Classification Criteria Version 2. Collection method: clinical testing. Allele origin: germline. Affected: yes. Observed: 16 variant alleles.
Comment: FAT4: BP4, BS2

Labcorp Genetics (formerly Invitae), Labcorp
Classification: Benign. Last evaluated: 2026-02-01. Review status: criteria provided, single submitter. Criteria: Invitae Variant Classification Sherloc (09022015). Collection method: clinical testing. Allele origin: germline.

Blueprint Genetics
Classification: Likely benign. Last evaluated: 2024-11-25. Review status: criteria provided, single submitter. Criteria: ACMG Guidelines, 2015. Collection method: clinical testing. Allele origin: germline.

ARUP Laboratories, Molecular Genetics and Genomics, ARUP Laboratories
Classification: Likely benign. Last evaluated: 2021-10-13. Review status: criteria provided, single submitter. Criteria: ARUP Molecular Germline Variant Investigation Process 2021. Collection method: clinical testing. Allele origin: germline.

GeneDx
Classification: Benign. Last evaluated: 2019-04-09. Review status: criteria provided, single submitter. Criteria: GeneDx Variant Classification Process June 2021. Collection method: clinical testing. Allele origin: germline. Affected: yes.

Clinical Genetics DNA and cytogenetics Diagnostics Lab, Erasmus MC, Erasmus Medical Center
Classification: Likely benign. Review status: no assertion criteria provided. Collection method: clinical testing. Allele origin: germline. Affected: yes. Study: VKGL Data-share Consensus. Not counted in ClinVar's aggregate classification.

Clinical Genetics, Academic Medical Center
Classification: Benign. Review status: no assertion criteria provided. Collection method: clinical testing. Allele origin: germline. Affected: yes. Study: VKGL Data-share Consensus. Not counted in ClinVar's aggregate classification.